The following is an entry in ClinVar:

ClinVar aggregate classification (germline): Uncertain significance (1 of 4 stars; one submission).

Conditions:
Intellectual developmental disorder, X-linked 1. Also called: MENTAL RETARDATION, X-LINKED 18; MENTAL RETARDATION, X-LINKED 78; Atkin Flaitz Patil Smith syndrome; Intellectual disability, X-linked 1. Identifiers: Orphanet 777, MedGen C2931498, MONDO:0010656, OMIM 309530.

Submission:

Labcorp Genetics (formerly Invitae), Labcorp
Classification: Uncertain significance for Intellectual developmental disorder, X-linked 1. Last evaluated: 2022-10-24. Review status: criteria provided, single submitter. Criteria: Invitae Variant Classification Sherloc (09022015). Collection method: clinical testing. Allele origin: germline.
Comment: Advanced modeling of protein sequence and biophysical properties (such as structural, functional, and spatial information, amino acid conservation, physicochemical variation, residue mobility, and thermodynamic stability) performed at Invitae indicates that this missense variant is not expected to disrupt IQSEC2 protein function. In summary, the available evidence is currently insufficient to determine the role of this variant in disease. Therefore, it has been classified as a Variant of Uncertain Significance. This variant has not been reported in the literature in individuals affected with IQSEC2-related conditions. This variant is not present in population databases (gnomAD no frequency). This sequence change replaces arginine, which is basic and polar, with tryptophan, which is neutral and slightly polar, at codon 18 of the IQSEC2 protein (p.Arg18Trp).

NM_001111125.3(IQSEC2):c.52C>T (p.Arg18Trp)

Gene: IQSEC2 (IQ motif and Sec7 domain ArfGEF 2; minus strand). Cytogenetic location: Xp11.22.
Variant type: single nucleotide variant.
Coding change: c.52C>T on transcript NM_001111125.3 (MANE Select); coding-DNA position 52, C replaced by T.
Protein change: p.Arg18Trp; replaces arginine 18 with tryptophan.
Molecular consequence: missense variant.
Genome position (GRCh38, 1-based): chrX:53,321,072, G>A on the plus strand (C>T on the coding strand, the complement: IQSEC2 is on the minus strand). VCF-style: chrX-53321072-G-A. GRCh37 (hg19) VCF-style: chrX-53350270-G-A.
Other names: c.52C>T, p.Arg18Trp (NM_001410736.1); short protein forms R18W.
Identifiers: ClinVar variation 1906503 (VCV001906503.5), dbSNP rs2520614023, ClinGen allele CA413240224.